The following is an entry in ClinVar:

ClinVar aggregate classification (germline): Uncertain significance (1 of 4 stars; one submission).

Conditions:
Long QT syndrome (LQTS). Identifiers: MedGen C0023976, MeSH D008133, MONDO:0002442. Disease mechanism: loss of function. Inheritance: Various modes of inheritance.

Submission:

Labcorp Genetics (formerly Invitae), Labcorp
Classification: Uncertain significance for Long QT syndrome. Last evaluated: 2022-03-13. Review status: criteria provided, single submitter. Criteria: Invitae Variant Classification Sherloc (09022015). Collection method: clinical testing. Allele origin: germline.
Comment: This sequence change replaces leucine, which is neutral and non-polar, with valine, which is neutral and non-polar, at codon 1585 of the CACNA1C protein (p.Leu1585Val). In summary, the available evidence is currently insufficient to determine the role of this variant in disease. Therefore, it has been classified as a Variant of Uncertain Significance. Algorithms developed to predict the effect of missense changes on protein structure and function (SIFT, PolyPhen-2, Align-GVGD) all suggest that this variant is likely to be disruptive. This variant has not been reported in the literature in individuals affected with CACNA1C-related conditions. This variant is not present in population databases (gnomAD no frequency).

NM_000719.7(CACNA1C):c.4753C>G (p.Leu1585Val)

Gene: CACNA1C (calcium voltage-gated channel subunit alpha1 C; plus strand). Cytogenetic location: 12p13.33.
Variant type: single nucleotide variant.
Coding change: c.4753C>G on transcript NM_000719.7 (MANE Select); coding-DNA position 4753, C replaced by G.
Protein change: p.Leu1585Val; replaces leucine 1585 with valine.
Molecular consequence: missense variant.
Genome position (GRCh38, 1-based): chr12:2,674,567, C>G. VCF-style: chr12-2674567-C-G. GRCh37 (hg19) VCF-style: chr12-2783733-C-G.
Other names: c.4897C>G, p.Leu1633Val (NM_001129827.2, NM_199460.4); c.4876C>G, p.Leu1626Val (NM_001129829.2); c.4753C>G, p.Leu1585Val (NM_001129830.3, NM_001129840.2, NM_001129841.2 and 4 more transcripts); c.4837C>G, p.Leu1613Val (NM_001129831.2); c.4813C>G, p.Leu1605Val (NM_001129832.2); c.4810C>G, p.Leu1604Val (NM_001129833.2, NM_001129834.2, NM_001129835.2); c.4804C>G, p.Leu1602Val (NM_001129836.2); c.4777C>G, p.Leu1593Val (NM_001129837.2, NM_001129838.2); and 3 more; short protein forms L1585V, L1593V, L1604V, L1605V, L1626V, L1633V, L1574V, L1613V.
Identifiers: ClinVar variation 2110926 (VCV002110926.4), dbSNP rs2531434441, ClinGen allele CA383377710.